The following is an entry in ClinVar:

ClinVar aggregate classification (germline): Uncertain significance (1 of 4 stars; one submission).

Conditions:
Kabuki syndrome. Also called: NIIKAWA-KUROKI SYNDROME; Kabuki make-up syndrome. Identifiers: Orphanet 2322, MedGen C0796004, MONDO:0016512.

Allele frequency attached by ClinVar (database versions not stated): gnomAD exomes below 0.00001; ExAC 0.00001.

Submission:

Labcorp Genetics (formerly Invitae), Labcorp
Classification: Uncertain significance for Kabuki syndrome. Last evaluated: 2022-12-07. Review status: criteria provided, single submitter. Criteria: Invitae Variant Classification Sherloc (09022015). Collection method: clinical testing. Allele origin: germline.
Comment: In summary, the available evidence is currently insufficient to determine the role of this variant in disease. Therefore, it has been classified as a Variant of Uncertain Significance. Advanced modeling of protein sequence and biophysical properties (such as structural, functional, and spatial information, amino acid conservation, physicochemical variation, residue mobility, and thermodynamic stability) has been performed at Invitae for this missense variant, however the output from this modeling did not meet the statistical confidence thresholds required to predict the impact of this variant on KMT2D protein function. This variant has not been reported in the literature in individuals affected with KMT2D-related conditions. This variant is present in population databases (rs755090431, gnomAD 0.0009%). This sequence change replaces arginine, which is basic and polar, with tryptophan, which is neutral and slightly polar, at codon 5171 of the KMT2D protein (p.Arg5171Trp).

NM_003482.4(KMT2D):c.15511C>T (p.Arg5171Trp)

Gene: KMT2D (lysine methyltransferase 2D; minus strand). Cytogenetic location: 12q13.12.
Variant type: single nucleotide variant.
Coding change: c.15511C>T on transcript NM_003482.4 (MANE Select); coding-DNA position 15511, C replaced by T.
Protein change: p.Arg5171Trp; replaces arginine 5171 with tryptophan.
Molecular consequence: missense variant.
Genome position (GRCh38, 1-based): chr12:49,026,455, G>A on the plus strand (C>T on the coding strand, the complement: KMT2D is on the minus strand). VCF-style: chr12-49026455-G-A. GRCh37 (hg19) VCF-style: chr12-49420238-G-A.
Other names: short protein forms R5171W.
Identifiers: ClinVar variation 3023132 (VCV003023132.3), dbSNP rs755090431, ClinGen allele CA6545551.